The following is an entry in ClinVar:

ClinVar aggregate classification (germline): Uncertain significance. Review status: criteria provided, multiple submitters, no conflicts (2 of 4 stars). 2 submissions from 2 submitters: Uncertain significance (2). Last evaluated 2025-12-04.

Conditions:
Osteogenesis imperfecta type I (OI1). Also called: OI, TYPE I; OSTEOGENESIS IMPERFECTA TARDA; OSTEOGENESIS IMPERFECTA WITH BLUE SCLERAE; Osteogenesis imperfecta type 1; Classic Non-deforming Osteogenesis Imperfecta with Blue Sclerae; Lobstein's Disease. Identifiers: Orphanet 216796, Orphanet 666, MedGen C0023931, MONDO:0008146, OMIM 166200. Disease mechanism: loss of function.
Ehlers-Danlos syndrome, classic type, 1 (EDSCL1). Also called: EHLERS-DANLOS SYNDROME, GRAVIS TYPE; EHLERS-DANLOS SYNDROME, SEVERE CLASSIC TYPE; EDS I; Ehlers-Danlos Syndrome, Classic Type, COL5A1-Related; Ehlers-Danlos syndrome, type 1. Identifiers: MedGen C0268335, MONDO:0019567, OMIM 130000.
Cardiovascular phenotype. Identifiers: MedGen CN230736.

Allele frequency attached by ClinVar (database versions not stated): gnomAD exomes below 0.00001 and 0.00001; gnomAD 0.00001; ExAC 0.00002.

Submissions (2):

Ambry Genetics
Classification: Uncertain significance for Cardiovascular phenotype. Last evaluated: 2025-12-04. Review status: criteria provided, single submitter. Criteria: Ambry Variant Classification Scheme 2023. Collection method: clinical testing. Allele origin: germline.
Comment: The p.P684S variant (also known as c.2050C>T), located in coding exon 34 of the COL1A2 gene, results from a C to T substitution at nucleotide position 2050. The proline at codon 684 is replaced by serine, an amino acid with similar properties. This amino acid position is conserved. In addition, the in silico prediction for this alteration is inconclusive. Based on the available evidence, the clinical significance of this variant remains unclear.

Labcorp Genetics (formerly Invitae), Labcorp
Classification: Uncertain significance for Osteogenesis imperfecta type I; Ehlers-Danlos syndrome, classic type, 1. Last evaluated: 2024-04-15. Review status: criteria provided, single submitter. Criteria: Invitae Variant Classification Sherloc (09022015). Collection method: clinical testing. Allele origin: germline.
Comment: This sequence change replaces proline, which is neutral and non-polar, with serine, which is neutral and polar, at codon 684 of the COL1A2 protein (p.Pro684Ser). This variant is present in population databases (rs747954056, gnomAD 0.004%). This variant has not been reported in the literature in individuals affected with COL1A2-related conditions. ClinVar contains an entry for this variant (Variation ID: 1021100). Advanced modeling of protein sequence and biophysical properties (such as structural, functional, and spatial information, amino acid conservation, physicochemical variation, residue mobility, and thermodynamic stability) performed at Invitae indicates that this missense variant is not expected to disrupt COL1A2 protein function with a negative predictive value of 80%. In summary, the available evidence is currently insufficient to determine the role of this variant in disease. Therefore, it has been classified as a Variant of Uncertain Significance.

NM_000089.4(COL1A2):c.2050C>T (p.Pro684Ser)

Gene: COL1A2 (collagen type I alpha 2 chain; plus strand). Cytogenetic location: 7q21.3.
Variant type: single nucleotide variant.
Coding change: c.2050C>T on transcript NM_000089.4 (MANE Select); coding-DNA position 2050, C replaced by T.
Protein change: p.Pro684Ser; replaces proline 684 with serine.
Molecular consequence: missense variant.
Genome position (GRCh38, 1-based): chr7:94,419,522, C>T. VCF-style: chr7-94419522-C-T. GRCh37 (hg19) VCF-style: chr7-94048834-C-T.
Other names: c.2050C>T (NM_000089.3); short protein forms P684S.
Identifiers: ClinVar variation 1021100 (VCV001021100.11), dbSNP rs747954056, ClinGen allele CA4347288.